The following is an entry in ClinVar:

NM_001130438.3(SPTAN1):c.4208A>G (p.Gln1403Arg)

Gene: SPTAN1 (spectrin alpha, non-erythrocytic 1; plus strand). Cytogenetic location: 9q34.11.
Variant type: single nucleotide variant.
Coding change: c.4208A>G on transcript NM_001130438.3 (MANE Select); coding-DNA position 4208, A replaced by G.
Protein change: p.Gln1403Arg; replaces glutamine 1403 with arginine.
Molecular consequence: missense variant.
Genome position (GRCh38, 1-based): chr9:128,607,913, A>G. VCF-style: chr9-128607913-A-G. GRCh37 (hg19) VCF-style: chr9-131370192-A-G.
Other names: c.4148A>G, p.Gln1383Arg (NM_001195532.2, NM_001363765.2, NM_001375314.2); c.4208A>G, p.Gln1403Arg (NM_001363759.2, NM_001375310.1, NM_001375311.2 and 2 more transcripts); c.4244A>G, p.Gln1415Arg (NM_001375312.2, NM_001375318.1); short protein forms Q1383R, Q1403R, Q1415R.
Identifiers: ClinVar variation 3377939 (VCV003377939.2).
Genomic context (GRCh38, chr9:128,607,913, plus strand): 5'-AACACCGGACAGAAATCGATGCCAGGGCTGGCACTTTCCAGGCATTTGAGCAGTTTGGAC[A>G]GCAGCTGTTGGCTCACGGACACTATGCCAGCCCTGAGATCAAGCAGAAACTTGATATTCT-3'
Protein context (NP_001123910.1, residues 1393-1413): GTFQAFEQFG[Gln1403Arg]QLLAHGHYAS

ClinVar aggregate classification (germline): Uncertain significance (1 of 4 stars; one submission).

Submission:

GeneDx
Classification: Uncertain significance. Last evaluated: 2024-12-20. Review status: criteria provided, single submitter. Criteria: GeneDx Variant Classification Process June 2021. Collection method: clinical testing. Allele origin: germline. Affected: yes.
Comment: Has not been previously published as pathogenic or benign to our knowledge; Not observed at significant frequency in large population cohorts (gnomAD); In silico analysis indicates that this missense variant does not alter protein structure/function